The following is an entry in ClinVar:

ClinVar aggregate classification (germline): Likely benign. Review status: criteria provided, multiple submitters, no conflicts (2 of 4 stars). 8 submissions from 8 submitters: Likely benign (7). 1 of the submissions does not count toward it. Last evaluated 2026-01-19.

Conditions:
Cardiovascular phenotype. Identifiers: MedGen CN230736.
Glycogen storage disease, type II (IOPD). Also called: POMPE DISEASE, INFANTILE-ONSET; GLYCOGEN STORAGE DISEASE II, INFANTILE-ONSET; ACID ALPHA-GLUCOSIDASE DEFICIENCY, INFANTILE-ONSET; GAA DEFICIENCY, INFANTILE-ONSET; ACID MALTASE DEFICIENCY, INFANTILE-ONSET; GLYCOGENOSIS, GENERALIZED, CARDIAC FORM. Identifiers: Orphanet 365, MedGen C0017921, MONDO:0009290, OMIM 232300.

Allele frequency attached by ClinVar (database versions not stated): gnomAD exomes 0.00004 and 0.00010; ExAC 0.00012; ESP Exome Variant Server 0.00031; gnomAD 0.00038 and 0.00039; TOPMed 0.00042; 1000 Genomes Project 30x 0.00094; 1000 Genomes Project 0.00100.
gnomAD v4.1: 126 of 1,611,260 alleles (0.0078%); highest among the groups gnomAD compares: African/African-American, 0.15%; no homozygotes.

Submissions (8):

Labcorp Genetics (formerly Invitae), Labcorp
Classification: Likely benign for Glycogen storage disease, type II. Last evaluated: 2026-01-19. Review status: criteria provided, single submitter. Criteria: Invitae Variant Classification Sherloc (09022015). Collection method: clinical testing. Allele origin: germline.

Blueprint Genetics
Classification: Likely benign. Last evaluated: 2024-11-21. Review status: criteria provided, single submitter. Criteria: ACMG Guidelines, 2015. Collection method: clinical testing. Allele origin: germline.

Ambry Genetics
Classification: Likely benign for Cardiovascular phenotype. Last evaluated: 2022-05-27. Review status: criteria provided, single submitter. Criteria: Ambry Variant Classification Scheme 2023. Collection method: clinical testing. Allele origin: germline.

Genome-Nilou Lab
Classification: Likely benign for Glycogen storage disease, type II. Last evaluated: 2021-07-22. Review status: criteria provided, single submitter. Criteria: ACMG Guidelines, 2015. Collection method: clinical testing. Allele origin: germline. Affected: no.

GeneDx
Classification: Likely benign. Last evaluated: 2021-04-13. Review status: criteria provided, single submitter. Criteria: GeneDx Variant Classification Process June 2021. Collection method: clinical testing. Allele origin: germline. Affected: yes.

Broad Center for Mendelian Genomics, Broad Institute of MIT and Harvard
Classification: Likely benign for Glycogen storage disease, type II. Last evaluated: 2020-01-22. Review status: criteria provided, single submitter. Criteria: ACMG Guidelines, 2015. Collection method: curation. Allele origin: germline. Inheritance: Autosomal recessive inheritance.
Comment: The c.600C>T (p.Val200=) variant in GAA has not been previously reported in individuals with Glycogen Storage Disease II but has been reported as a VUS by EGL Genetic Diagnostics and a likely benign variant by Invitae and PreventionGenetics in ClinVar (Variation ID: 255364). This variant has been identified in 0.1205% (30/24906) of African chromosomes by the Genome Aggregation Database (gnomAD; dbSNP rs150895924). Although this variant has been seen in the general population, its frequency is not high enough to rule out a pathogenic role. Computational prediction tools and conservation analyses suggest that this variant may not impact the protein, though this information is not predictive enough to rule out pathogenicity. However, novel synonymous variants supported by computational evidence without raised suspicion for an impact are likely benign (Richards 2015). In summary, although additional studies are required to fully establish its clinical significance, this variant is likely benign. ACMG/AMP Criteria applied: BP4, BP7 (Richards 2015).

PreventionGenetics, part of Exact Sciences
Classification: Likely benign. Review status: criteria provided, single submitter. Criteria: ACMG Guidelines, 2015. Collection method: clinical testing. Allele origin: germline.

Eurofins Ntd Llc (ga)
Classification: Uncertain significance. Last evaluated: 2015-11-04. Review status: flagged submission. Criteria: EGL Classification Definitions 2015. Collection method: clinical testing. Allele origin: germline. Observed: 1 variant allele, 1 heterozygote. Not counted in ClinVar's aggregate classification.
ClinVar note: Reason: Older and outlier claim with insufficient supporting evidence

NM_000152.5(GAA):c.600C>T (p.Val200=)

Gene: GAA (alpha glucosidase; plus strand). Cytogenetic location: 17q25.3.
Variant type: single nucleotide variant.
Coding change: c.600C>T on transcript NM_000152.5 (MANE Select); coding-DNA position 600, C replaced by T.
Protein change: p.Val200=; no amino-acid change (valine 200 retained).
Molecular consequence: synonymous variant.
Genome position (GRCh38, 1-based): chr17:80,105,802, C>T. VCF-style: chr17-80105802-C-T. GRCh37 (hg19) VCF-style: chr17-78079601-C-T.
Other names: c.600C>T, p.Val200= (NM_001079803.3, NM_001079804.3); c.600C>T (LRG_673t1).
Identifiers: ClinVar variation 255364 (VCV000255364.29), dbSNP rs150895924, ClinGen allele CA8814939.